The following is an entry in ClinVar:

NM_000528.4(MAN2B1):c.2300_2301insAA (p.Thr768fs)

Gene: MAN2B1 (mannosidase alpha class 2B member 1; minus strand). Cytogenetic location: 19p13.13.
Variant type: Insertion.
Coding change: c.2300_2301insAA on transcript NM_000528.4 (MANE Select); coding-DNA positions 2300 to 2301, AA inserted.
Protein change: p.Thr768fs; shifts the reading frame from threonine 768.
Molecular consequence: frameshift variant.
Genome position: GRCh38 VCF-style: chr19-12649395-C-CTT. GRCh37 (hg19) VCF-style: chr19-12760209-C-CTT.
Other names: c.2297_2298insAA, p.Thr767fs (NM_001173498.2); short protein forms T767fs, T768fs.
Identifiers: ClinVar variation 2007573 (VCV002007573.5), dbSNP rs2512488379, ClinGen allele CA2580096679.

ClinVar aggregate classification (germline): Pathogenic. Review status: criteria provided, multiple submitters, no conflicts (2 of 4 stars). 2 submissions from 2 submitters: Pathogenic (2). Last evaluated 2025-05-24.

Conditions:
Deficiency of alpha-mannosidase (MANSA). Also called: LYSOSOMAL ALPHA-D-MANNOSIDASE DEFICIENCY; Alpha-Mannosidosis; Mannosidosis, alpha-, types I and II. Identifiers: Orphanet 61, MedGen C0024748, MONDO:0009561, OMIM 248500.

Submissions (2):

Myriad Genetics, Inc.
Classification: Pathogenic for Deficiency of alpha-mannosidase. Last evaluated: 2025-05-24. Review status: criteria provided, single submitter. Criteria: Myriad Autosomal Dominant, Autosomal Recessive and X-Linked Classification Criteria (2023). Collection method: clinical testing. Allele origin: unknown.
Comment: NM_000528.3(MAN2B1):c.2300_2301insAA(T768Rfs*25) is expected to be pathogenic in the context of alpha-mannosidosis. This variant is predicted to lead to an abnormal or absent protein product due to the creation of a premature termination codon in MAN2B1, a gene where loss-of-function variants are known to be pathogenic. Please note: this variant was assessed in the context of healthy population screening.

Labcorp Genetics (formerly Invitae), Labcorp
Classification: Pathogenic for Deficiency of alpha-mannosidase. Last evaluated: 2022-06-17. Review status: criteria provided, single submitter. Criteria: Invitae Variant Classification Sherloc (09022015). Collection method: clinical testing. Allele origin: germline.
Comment: This sequence change creates a premature translational stop signal (p.Thr768Argfs*25) in the MAN2B1 gene. It is expected to result in an absent or disrupted protein product. Loss-of-function variants in MAN2B1 are known to be pathogenic (PMID: 9915946, 22161967). For these reasons, this variant has been classified as Pathogenic. This variant has not been reported in the literature in individuals affected with MAN2B1-related conditions. This variant is not present in population databases (gnomAD no frequency).

Literature cited by the submitters: PubMed 9915946 (cited by Labcorp Genetics (formerly Invitae), Labcorp); PubMed 22161967 (cited by Labcorp Genetics (formerly Invitae), Labcorp).